The following is an entry in ClinVar:

NM_018834.6(MATR3):c.2310G>C (p.Lys770Asn)

Gene: MATR3 (matrin 3; plus strand). Cytogenetic location: 5q31.2.
Variant type: single nucleotide variant.
Coding change: c.2310G>C on transcript NM_018834.6 (MANE Select); coding-DNA position 2310, G replaced by C.
Protein change: p.Lys770Asn; replaces lysine 770 with asparagine.
Molecular consequence: missense variant.
Genome position (GRCh38, 1-based): chr5:139,325,601, G>C. VCF-style: chr5-139325601-G-C. GRCh37 (hg19) VCF-style: chr5-138661290-G-C.
Other names: c.2310G>C, p.Lys770Asn (NM_001194954.2, NM_001194955.2, NM_199189.3); c.1446G>C, p.Lys482Asn (NM_001194956.2); c.1296G>C, p.Lys432Asn (NM_001282278.2); short protein forms K432N, K482N, K770N.
Identifiers: ClinVar variation 1006204 (VCV001006204.9), dbSNP rs1755815403, ClinGen allele CA361146557.

ClinVar aggregate classification (germline): Uncertain significance (1 of 4 stars; one submission).

Conditions:
Amyotrophic lateral sclerosis type 21. Also called: VOCAL CORD AND PHARYNGEAL DYSFUNCTION WITH DISTAL MYOPATHY; MYOPATHY, DISTAL, 2. Identifiers: Orphanet 600, Orphanet 803, MedGen C3807521, MONDO:0011632, OMIM 606070.

gnomAD v4.1: 1 of 1,614,190 alleles (0.000062%); highest among the groups gnomAD compares: Admixed American, 0.0017%; no homozygotes.

Submission:

Labcorp Genetics (formerly Invitae), Labcorp
Classification: Uncertain significance for Amyotrophic lateral sclerosis type 21. Last evaluated: 2020-01-11. Review status: criteria provided, single submitter. Criteria: Invitae Variant Classification Sherloc (09022015). Collection method: clinical testing. Allele origin: germline.
Comment: This sequence change replaces lysine with asparagine at codon 770 of the MATR3 protein (p.Lys770Asn). The lysine residue is weakly conserved and there is a moderate physicochemical difference between lysine and asparagine. In summary, the available evidence is currently insufficient to determine the role of this variant in disease. Therefore, it has been classified as a Variant of Uncertain Significance. Algorithms developed to predict the effect of missense changes on protein structure and function (SIFT, PolyPhen-2, Align-GVGD) all suggest that this variant is likely to be tolerated, but these predictions have not been confirmed by published functional studies and their clinical significance is uncertain. This variant has not been reported in the literature in individuals with MATR3-related conditions. This variant is not present in population databases (ExAC no frequency).